The following is an entry in ClinVar:

ClinVar aggregate classification (germline): Uncertain significance. Review status: criteria provided, multiple submitters, no conflicts (2 of 4 stars). 2 submissions from 2 submitters: Uncertain significance (2). Last evaluated 2023-12-07.

Conditions:
Inborn genetic diseases. Identifiers: MedGen C0950123, MeSH D030342.

Allele frequency attached by ClinVar (database versions not stated): gnomAD exomes below 0.00001; TOPMed 0.00001; gnomAD 0.00002.
gnomAD v4.1: 6 of 1,614,032 alleles (0.00037%); highest among the groups gnomAD compares: Admixed American, 0.005%; no homozygotes.

Submissions (2):

GeneDx
Classification: Uncertain significance. Last evaluated: 2023-12-07. Review status: criteria provided, single submitter. Criteria: GeneDx Variant Classification Process June 2021. Collection method: clinical testing. Allele origin: germline. Affected: yes.
Comment: Not observed at significant frequency in large population cohorts (gnomAD); In silico analysis supports that this missense variant has a deleterious effect on protein structure/function; Has not been previously published as pathogenic or benign to our knowledge

Ambry Genetics
Classification: Uncertain significance for Inborn genetic diseases. Last evaluated: 2023-09-12. Review status: criteria provided, single submitter. Criteria: Ambry Variant Classification Scheme 2023. Collection method: clinical testing. Allele origin: germline.

NM_001368809.2(AMPD2):c.239C>T (p.Ser80Leu)

Gene: AMPD2 (adenosine monophosphate deaminase 2; plus strand). Cytogenetic location: 1p13.3.
Variant type: single nucleotide variant.
Coding change: c.239C>T on transcript NM_001368809.2 (MANE Select); coding-DNA position 239, C replaced by T.
Protein change: p.Ser80Leu; replaces serine 80 with leucine.
Molecular consequence: missense variant.
Genome position (GRCh38, 1-based): chr1:109,625,678, C>T. VCF-style: chr1-109625678-C-T. GRCh37 (hg19) VCF-style: chr1-110168300-C-T.
Other names: c.401C>T (NM_001257360.1); c.47C>T, p.Ser16Leu (NM_001257361.2); c.176C>T, p.Ser59Leu (NM_001308170.1); c.239C>T, p.Ser80Leu (NM_004037.9); c.158C>T, p.Ser53Leu (NM_139156.4); short protein forms S80L, S16L, S53L, S59L.
Identifiers: ClinVar variation 2622324 (VCV002622324.3), dbSNP rs1650609556, ClinGen allele CA341554094.